The following is an entry in ClinVar:

NM_001165963.4(SCN1A):c.2979_2992del (p.Ser993fs)

Gene: SCN1A (sodium voltage-gated channel alpha subunit 1; minus strand). Cytogenetic location: 2q24.3.
Variant type: Deletion.
Coding change: c.2979_2992del on transcript NM_001165963.4 (MANE Select); coding-DNA positions 2979 to 2992, 14 bases deleted (CTCATTTAGTGCAG).
Protein change: p.Ser993fs; shifts the reading frame from serine 993.
Molecular consequence: frameshift variant. On other transcripts: non-coding transcript variant (1).
Genome position (GRCh38, 1-based): chr2:166,036,485-166,036,498, CTGCACTAAATGAG deleted on the plus strand (CTCATTTAGTGCAG on the coding strand, the reverse complement: SCN1A is on the minus strand); deleting any 14 consecutive bases within chr2:166,036,485-166,036,500 gives the same sequence; the c. name uses the placement nearest the transcript's 3' end. VCF-style (leftmost placement, unchanged base first): chr2-166036484-TCTGCACTAAATGAG-T. GRCh37 (hg19) VCF-style: chr2-166892994-TCTGCACTAAATGAG-T.
Other names: c.2895_2908del, p.Ser965fs (NM_001165964.3, NM_001353957.2, NM_001353958.2); c.2979_2992del, p.Ser993fs (NM_001202435.3, NM_001353948.2); c.2946_2959del, p.Ser982fs (NM_001353949.2, NM_001353950.2, NM_001353951.2 and 2 more transcripts); c.2943_2956del, p.Ser981fs (NM_001353954.2, NM_001353955.2); c.2892_2905del, p.Ser964fs (NM_001353960.2); c.537_550del, p.Ser179fs (NM_001353961.2); short protein forms S964fs, S965fs, S179fs, S981fs, S982fs, S993fs.
Identifiers: ClinVar variation 524072 (VCV000524072.2), dbSNP rs1553540464, ClinGen allele CA658795924.

ClinVar aggregate classification (germline): Likely pathogenic (1 of 4 stars; one submission).

Submission:

GeneDx
Classification: Likely pathogenic. Last evaluated: 2018-04-09. Review status: criteria provided, single submitter. Criteria: GeneDx Variant Classification (06012015). Collection method: clinical testing. Allele origin: germline. Affected: yes.
Comment: The c.2979_2992del14 variant has not been published as a pathogenic variant, nor has it been reported as a benign variant to our knowledge. The c.2979_2992del14 variant causes a frameshift starting with codon Serine 993, changes this amino acid to an Arginine residue and creates a premature Stop codon at position 7 of the new reading frame, denoted p.Ser993ArgfsX7. This variant is predicted to cause loss of normal protein function either through protein truncation or nonsense-mediated mRNA decay. Furthermore, the c.2979_2992del14 variant is not observed in large population cohorts (Lek et al., 2016). Therefore, this variant is likely pathogenic; however, the possibility that it is benign cannot be excluded.